The following is an entry in ClinVar:

ClinVar aggregate classification (germline): Uncertain significance (1 of 4 stars; one submission).

Conditions:
Alstrom syndrome (ALMS). Identifiers: Orphanet 64, MedGen C0268425, MONDO:0008763, OMIM 203800.

Submission:

Labcorp Genetics (formerly Invitae), Labcorp
Classification: Uncertain significance for Alstrom syndrome. Last evaluated: 2024-02-01. Review status: criteria provided, single submitter. Criteria: Invitae Variant Classification Sherloc (09022015). Collection method: clinical testing. Allele origin: germline.
Comment: This sequence change replaces threonine, which is neutral and polar, with isoleucine, which is neutral and non-polar, at codon 2713 of the ALMS1 protein (p.Thr2713Ile). This variant is not present in population databases (gnomAD no frequency). This variant has not been reported in the literature in individuals affected with ALMS1-related conditions. Experimental studies and prediction algorithms are not available or were not evaluated, and the functional significance of this variant is currently unknown. In summary, the available evidence is currently insufficient to determine the role of this variant in disease. Therefore, it has been classified as a Variant of Uncertain Significance.

NM_001378454.1(ALMS1):c.8135C>T (p.Thr2712Ile)

Gene: ALMS1 (ALMS1 centrosome and basal body associated protein; plus strand). Cytogenetic location: 2p13.1.
Variant type: single nucleotide variant.
Coding change: c.8135C>T on transcript NM_001378454.1 (MANE Select); coding-DNA position 8135, C replaced by T.
Protein change: p.Thr2712Ile; replaces threonine 2712 with isoleucine.
Molecular consequence: missense variant.
Genome position (GRCh38, 1-based): chr2:73,490,094, C>T. VCF-style: chr2-73490094-C-T. GRCh37 (hg19) VCF-style: chr2-73717221-C-T.
Other names: c.8138C>T, p.Thr2713Ile (NM_015120.4); short protein forms T2712I, T2713I.
Identifiers: ClinVar variation 3006254 (VCV003006254.3), dbSNP rs2103890764, ClinGen allele CA347267600.